The following continues an entry in ClinVar:

NM_000030.3(AGXT):c.508G>A (p.Gly170Arg)

Gene: AGXT. ClinVar aggregate classification (germline): Pathogenic/Likely pathogenic. Pathogenic (23); Likely pathogenic (2).

Submissions 12 to 21 of 30:

ARUP Laboratories, Molecular Genetics and Genomics, ARUP Laboratories
Classification: Pathogenic for Primary hyperoxaluria, type I. Last evaluated: 2024-01-12. Review status: criteria provided, single submitter. Criteria: ARUP Molecular Germline Variant Investigation Process 2024. Collection method: clinical testing. Allele origin: germline.
Comment: The AGXT c.508G>A; p.Gly170Arg variant (rs121908529) is reported in the literature in compound heterozygous and homozygous in individuals affected with primary type 1 hyperoxaluria (PH1; Coulter-Mackie 2001, Purdue 1990, Monico 2005) and accounts for one third of PH1-causing alleles (Milliner 2002). This variant is also reported in ClinVar (Variation ID: 40166) and is found in the general population with an overall allele frequency of 0.06% (136/242,084 alleles, including 1 homozygote) in the Genome Aggregation Database (v2.1.1). Computational analyses predict that this variant is deleterious (REVEL: 0.913) and functional analyses demonstrate when found in cis with benign polymorphism, p.Pro11Leu, results in mistargeting of the AGT enzyme to the mitochondria rather than the peroxisomes (Coulter-Mackie 2005, Lumb 1999, Lumb 2000). Based on available information, the p.Gly170Arg variant is considered to be pathogenic. References: Coulter-Mackie MB, Rumsby G, Applegarth DA, Toone JR. Three novel deletions in the alanine:glyoxylate aminotransferase gene of three patients with type 1 hyperoxaluria. Mol Genet Metab. 2001 Nov;74(3):314-21. doi: 10.1006/mgme.2001.3222. PMID: 11708860. Coulter-Mackie MB et al. Overexpression of human alanine:glyoxylate aminotransferase in Escherichia coli: renaturation from guanidine-HCl and affinity for pyridoxal phosphate co-factor. Protein Expr Purif. 2005 May;41(1):18-26. PMID: 15802217. Lumb MJ et al. Effect of N-terminal alpha-helix formation on the dimerization and intracellular targeting of alanine:glyoxylate aminotransferase. J Biol Chem. 1999 Jul 16;274(29):20587-96. PMID: 10400689. Lumb MJ et al. Functional synergism between the most common polymorphism in human alanine:glyoxylate aminotransferase and four of the most common disease-causing mutations. J Biol Chem. 2000 Nov 17;275(46):36415-22. PMID: 10960483. Milliner DS, et al. Primary Hyperoxaluria Type 1. 2002 Jun 19 [updated 2022 Feb 10]. In: Adam MP, Feldman J, Mirzaa GM, Pagon RA, Wallace SE, Bean LJH, Gripp KW, Amemiya A, editors. GeneReviewsÂ® [Internet]. Seattle (WA): University of Washington, Seattle; 1993â€“2024. PMID: 20301460. Monico CG et al. Pyridoxine effect in type I primary hyperoxaluria is associated with the most common mutant allele. Kidney Int. 2005 May;67(5):1704-9. PMID: 15840016. Purdue PE et al. Identification of mutations associated with peroxisome-to-mitochondrion mistargeting of alanine/glyoxylate aminotransferase in primary hyperoxaluria type 1. J Cell Biol. 1990 Dec;111(6 Pt 1):2341-51. PMID: 1703535.

Department of Pathology and Laboratory Medicine, Sinai Health System
Classification: Pathogenic for Primary hyperoxaluria, type I. Last evaluated: 2023-09-19. Review status: criteria provided, single submitter. Criteria: ACMG Guidelines, 2015. Collection method: research. Allele origin: germline.

Mayo Clinic Laboratories, Mayo Clinic
Classification: Pathogenic. Last evaluated: 2023-03-02. Review status: criteria provided, single submitter. Criteria: ACMG Guidelines, 2015. Collection method: clinical testing. Allele origin: germline. Observed: 4 variant alleles.
Comment: PP3, PM3, PS3, PS4

GeneDx
Classification: Pathogenic. Last evaluated: 2022-12-12. Review status: criteria provided, single submitter. Criteria: GeneDx Variant Classification Process June 2021. Collection method: clinical testing. Allele origin: germline. Affected: yes.
Comment: Patients with the G170R variant have longer preservation of renal function with conservative treatment compared to other pathogenic variants and respond to pyridoxine treatment, a cofactor that reduces enzyme mistargeting (Monico et al., 2005; Harambat et al., 2010; Hopp et al., 2015); Functional studies demonstrate that G170R, when present in cis with the P11L AGXT variant, unmasks the cryptic mitochondrial targeting sequence encoded by P11L and results in the mistargeting of the AGT enzyme to the mitochondria instead of to the peroxisomes (Lumb et al., 2000; Montioli et al., 2014); In silico analysis supports that this missense variant has a deleterious effect on protein structure/function; This variant is associated with the following publications: (PMID: 1703535, 28660284, 34686543, 21103899, 34758253, 24797341, 23597595, 20713123, 22923379, 20564000, 18782763, 10960483, 23229545, 15840016, 11708860, 15802217, 22529745, 18985333, 20208150, 26161999, 26759051, 15356974, 27161247, 19479957, 31980526, 29431110, 28906061, 27915025, 27568336, 24205397, 25644115, 20016466, 30397603, 30655312, 24990153, 34426522, 33443292, 34008892, 34082749, 31589614, 11156702, 33726816, 31328266, 35964771)

Myriad Genetics, Inc.
Classification: Pathogenic for Primary hyperoxaluria, type I. Last evaluated: 2019-12-20. Review status: criteria provided, single submitter. Criteria: Myriad Women's Health Autosomal Recessive and X-Linked Classification Criteria (2019). Collection method: clinical testing. Allele origin: unknown.
Comment: NM_000030.2(AGXT):c.508G>A(G170R) is classified as pathogenic in the context of primary hyperoxaluria type 1. Sources cited for classification include the following: PMID 10960483, 15840016, 22529745, 18782763, 24205397, and 24988064. Classification of NM_000030.2(AGXT):c.508G>A(G170R) is based on the following criteria: This is a well-established pathogenic variant in the literature that has been observed more frequently in patients with clinical diagnoses than in healthy populations. Please note: this variant was assessed in the context of healthy population screening.

Fulgent Genetics
Classification: Pathogenic for Primary hyperoxaluria, type I. Last evaluated: 2018-10-31. Review status: criteria provided, single submitter. Criteria: ACMG Guidelines, 2015. Collection method: clinical testing. Allele origin: unknown.

Illumina Laboratory Services, Illumina
Classification: Pathogenic for Primary hyperoxaluria, type I. Last evaluated: 2018-09-19. Review status: criteria provided, single submitter. Criteria: ICSL Variant Classification Criteria 09 May 2019. Collection method: clinical testing. Allele origin: germline.
Comment: The AGXT c.508G>A (p.Gly170Arg) variant is well described in the literature as one of the most common variants associated with primary hyperoxaluria type 1 (Coulter-Mackie et al. 2014). Across a subset of the literature, the p.Gly170Arg variant has been detected in at least 87 probands, including at least 71 in a homozygous state, at least 93 in a compound heterozygous state, and 30 in a heterozygous state with evidence suggesting these probands were actually compound heterozygous (Purdue et al. 1990; Rumsby et al. 2004; Harambat et al. 2010; Mandrile et al. 2014; Isivel et al 2016). Control data are unavailable for this variant, which is reported at a frequency of 0.001892 in the European (non-Finnish) population of the Exome Aggregation Consortium. Liver biopsies from affected probands found that homozygotes for the p.Gly170Arg had a median AGT activity at 41% of normal, consistent with a less severe phenotype (Harambat et al. 2010). The effects of p.Gly170Arg may be exacerbated due the presence of p.Pro11Leu, also known as the minor allele, in cis which acts as a modifier allele (Williams et al. 2009). Based on the collective evidence, the p.Gly170Arg variant is classified as pathogenic for primary hyperoxaluria. This variant was observed by ICSL as part of a predisposition screen in an ostensibly healthy population.

Laboratory of Medical Genetics, National & Kapodistrian University of Athens
Classification: Pathogenic for Primary hyperoxaluria, type I. Last evaluated: 2018-07-27. Review status: criteria provided, single submitter. Criteria: ACMG Guidelines, 2015. Collection method: clinical testing. Allele origin: germline. Affected: yes.
Comment: PS1, PS4, PP3, PP4, PP5

SIB Swiss Institute of Bioinformatics
Classification: Likely pathogenic for Primary hyperoxaluria, type I. Last evaluated: 2018-05-31. Review status: criteria provided, single submitter. Criteria: ACMG Guidelines, 2015. Collection method: curation. Allele origin: unknown.
Comment: This variant is interpreted as a Likely Pathogenic, for Hyperoxaluria, primary, type I, in Autosomal Recessive manner. The following ACMG Tag(s) were applied: PP3 => Multiple lines of computational evidence support a deleterious effect on the gene or gene product. PS3 => Well-established functional studies show a deleterious effect on the activity of the minor allele (AGT-Mi). (PMID:19479957) (PMID:17495019) (PMID:10960483). PM2-Supporting =>PM2 downgraded in strength to Supporting (PMID:25644115) (PMID:25644115).

Laboratory for Molecular Medicine, Mass General Brigham Personalized Medicine
Classification: Pathogenic for Primary hyperoxaluria, type I. Last evaluated: 2018-04-10. Review status: criteria provided, single submitter. Criteria: LMM Criteria. Collection method: clinical testing. Allele origin: germline. Inheritance: Autosomal recessive inheritance. Observed: 1 variant allele.
Comment: The p.Gly170Arg variant in AGXT has been reported in >200 homozygous or compound heterozygous individuals with clinical features of primary hyperoxaluria (PH), representing roughly 25-40% of all alleles in PH patient registries (Harambat 20 10, Mandrile 2014, Hopp 2015). This variant has been identified in 0.1% (111/105 692) of European chromosomes by the Genome Aggregation Database (gnomAD; dbSNP rs121908529). In vitro functional studies provi de some evidence that the p.Gly170Arg variant may impact protein function by mis localization and decreased catalytic activity (Fargue 2013); however, these type s of assays may not accurately represent biological function. In summary, this v ariant meets criteria to be classified as pathogenic for primary hyperoxaluriai n an autosomal recessive manner based upon extreme enrichment in PH patients, f unctional evidence, and predicted impact on protein. ACMG/AMP Criteria applied: PM3_VeryStrong; PS4; PS3_Supporting